The following is an entry in ClinVar:

ClinVar aggregate classification (germline): Conflicting classifications of pathogenicity. Review status: criteria provided, conflicting classifications (1 of 4 stars). 3 submissions from 3 submitters: Uncertain significance (2); Likely benign (1). Last evaluated 2023-03-23.

Conditions:
Hereditary breast ovarian cancer syndrome. Also called: Hereditary breast and ovarian cancer; Breast and ovarian cancer; Hereditary breast and/or ovarian cancer syndrome; Hereditary breast and ovarian cancer syndrome; BRCA1- and BRCA2-Associated Hereditary Breast and Ovarian Cancer; Hereditary breast and ovarian cancer syndrome (HBOC). Identifiers: Orphanet 145, MedGen C0677776, MeSH D061325, MONDO:0003582. Disease mechanism: loss of function.
Hereditary cancer-predisposing syndrome. Also called: Tumor predisposition; Hereditary Cancer Syndrome; Neoplastic Syndromes, Hereditary; Hereditary neoplastic syndrome. Identifiers: Orphanet 140162, MedGen C0027672, MeSH D009386, MONDO:0015356.

Submissions (3):

University of Washington Department of Laboratory Medicine, University of Washington
Classification: Likely benign for Hereditary cancer-predisposing syndrome. Last evaluated: 2023-03-23. Review status: criteria provided, single submitter. Criteria: Dines et al. (Genet Med. 2020). Collection method: curation. Allele origin: germline.
Comment: Missense variant in a coldspot region where missense variants are very unlikely to be pathogenic (PMID:31911673).

BRCA2 exon 10 coldspot. Reclassification based on statistical prior probability.

Labcorp Genetics (formerly Invitae), Labcorp
Classification: Uncertain significance for Hereditary breast ovarian cancer syndrome. Last evaluated: 2021-04-16. Review status: criteria provided, single submitter. Criteria: Invitae Variant Classification Sherloc (09022015). Collection method: clinical testing. Allele origin: germline.
Comment: Algorithms developed to predict the effect of missense changes on protein structure and function (SIFT, PolyPhen-2, Align-GVGD) all suggest that this variant is likely to be tolerated, but these predictions have not been confirmed by published functional studies and their clinical significance is uncertain. This variant has not been reported in the literature in individuals with BRCA2-related disease. This variant is not present in population databases (ExAC no frequency). This sequence change replaces lysine with asparagine at codon 318 of the BRCA2 protein (p.Lys318Asn). The lysine residue is weakly conserved and there is a moderate physicochemical difference between lysine and asparagine. In summary, the available evidence is currently insufficient to determine the role of this variant in disease. Therefore, it has been classified as a Variant of Uncertain Significance.

Ambry Genetics
Classification: Uncertain significance for Hereditary cancer-predisposing syndrome. Last evaluated: 2019-08-22. Review status: criteria provided, single submitter. Criteria: Ambry Variant Classification Scheme 2023. Collection method: clinical testing. Allele origin: germline.
Comment: The p.K318N variant (also known as c.954A>C), located in coding exon 9 of the BRCA2 gene, results from an A to C substitution at nucleotide position 954. The lysine at codon 318 is replaced by asparagine, an amino acid with similar properties. This amino acid position is poorly conserved in available vertebrate species. In addition, this alteration is predicted to be tolerated by in silico analysis. Since supporting evidence is limited at this time, the clinical significance of this alteration remains unclear.

NM_000059.4(BRCA2):c.954A>C (p.Lys318Asn)

Gene: BRCA2 (BRCA2 DNA repair associated; plus strand). Cytogenetic location: 13q13.1.
Variant type: single nucleotide variant.
Coding change: c.954A>C on transcript NM_000059.4 (MANE Select); coding-DNA position 954, A replaced by C.
Protein change: p.Lys318Asn; replaces lysine 318 with asparagine.
Molecular consequence: missense variant.
Genome position (GRCh38, 1-based): chr13:32,332,432, A>C. VCF-style: chr13-32332432-A-C. GRCh37 (hg19) VCF-style: chr13-32906569-A-C.
Other names: short protein forms K318N.
Identifiers: ClinVar variation 823323 (VCV000823323.14), dbSNP rs1593891571, ClinGen allele CA387760861.